The following is an entry in ClinVar:

ClinVar aggregate classification (germline): Uncertain significance (1 of 4 stars; one submission).

Conditions:
Hereditary breast ovarian cancer syndrome. Also called: Hereditary breast and ovarian cancer syndrome; Hereditary breast and/or ovarian cancer syndrome; Hereditary breast and ovarian cancer syndrome (HBOC); Breast and ovarian cancer; BRCA1- and BRCA2-Associated Hereditary Breast and Ovarian Cancer; Hereditary breast and ovarian cancer. Identifiers: Orphanet 145, MedGen C0677776, MeSH D061325, MONDO:0003582. Disease mechanism: loss of function.

Allele frequency attached by ClinVar (database versions not stated): gnomAD exomes below 0.00001.
gnomAD v4.1: 1 of 1,613,842 alleles (0.000062%); highest among the groups gnomAD compares: Middle Eastern, 0.016%; no homozygotes.

Submission:

Labcorp Genetics (formerly Invitae), Labcorp
Classification: Uncertain significance for Hereditary breast ovarian cancer syndrome. Last evaluated: 2023-01-01. Review status: criteria provided, single submitter. Criteria: Invitae Variant Classification Sherloc (09022015). Collection method: clinical testing. Allele origin: germline.
Comment: ClinVar contains an entry for this variant (Variation ID: 998954). In summary, the available evidence is currently insufficient to determine the role of this variant in disease. Therefore, it has been classified as a Variant of Uncertain Significance. Advanced modeling of protein sequence and biophysical properties (such as structural, functional, and spatial information, amino acid conservation, physicochemical variation, residue mobility, and thermodynamic stability) performed at Invitae indicates that this missense variant is not expected to disrupt BRCA2 protein function. This variant has not been reported in the literature in individuals affected with BRCA2-related conditions. This variant is not present in population databases (gnomAD no frequency). This sequence change replaces arginine, which is basic and polar, with lysine, which is basic and polar, at codon 67 of the BRCA2 protein (p.Arg67Lys).

NM_000059.4(BRCA2):c.200G>A (p.Arg67Lys)

Gene: BRCA2 (BRCA2 DNA repair associated; plus strand). Cytogenetic location: 13q13.1.
Variant type: single nucleotide variant.
Coding change: c.200G>A on transcript NM_000059.4 (MANE Select); coding-DNA position 200, G replaced by A.
Protein change: p.Arg67Lys; replaces arginine 67 with lysine.
Molecular consequence: missense variant.
Genome position (GRCh38, 1-based): chr13:32,319,209, G>A. VCF-style: chr13-32319209-G-A. GRCh37 (hg19) VCF-style: chr13-32893346-G-A.
Other names: short protein forms R67K.
Identifiers: ClinVar variation 998954 (VCV000998954.9), dbSNP rs1239929428, ClinGen allele CA387754388.